The following is an entry in ClinVar:

NM_005359.6(SMAD4):c.916A>C (p.Asn306His)

Gene: SMAD4 (SMAD family member 4; plus strand). Cytogenetic location: 18q21.2.
Variant type: single nucleotide variant.
Coding change: c.916A>C on transcript NM_005359.6 (MANE Select); coding-DNA position 916, A replaced by C.
Protein change: p.Asn306His; replaces asparagine 306 with histidine.
Molecular consequence: missense variant. On other transcripts: non-coding transcript variant (2).
Genome position (GRCh38, 1-based): chr18:51,059,877, A>C. VCF-style: chr18-51059877-A-C. GRCh37 (hg19) VCF-style: chr18-48586247-A-C.
Other names: c.916A>C, p.Asn306His (NM_001407041.1, NM_001407042.1, NM_001407043.1); short protein forms N306H.
Identifiers: ClinVar variation 2770543 (VCV002770543.3), dbSNP rs2144433247, ClinGen allele CA402463658.
Genomic context (GRCh38, chr18:51,059,877, plus strand): 5'-AGACAACTTTTAGTAAATAAAAATGGAATTTTTGTTGTCTTTTCTTTAGGGCCTGTTCAC[A>C]ATGAGCTTGCATTCCAGCCTCCCATTTCCAATCATCCTGGTAAGTGTATTTCAAAATTGA-3'
Protein context (NP_005350.1, residues 296-316): PHPGHYWPVH[Asn306His]ELAFQPPISN

ClinVar aggregate classification (germline): Uncertain significance (1 of 4 stars; one submission).

Conditions:
Juvenile polyposis syndrome (JPS). Identifiers: Orphanet 2929, MedGen C0345893, MONDO:0017380, OMIM 174900.

Submission:

Labcorp Genetics (formerly Invitae), Labcorp
Classification: Uncertain significance for Juvenile polyposis syndrome. Last evaluated: 2023-10-22. Review status: criteria provided, single submitter. Criteria: Invitae Variant Classification Sherloc (09022015). Collection method: clinical testing. Allele origin: germline.
Comment: This sequence change replaces asparagine, which is neutral and polar, with histidine, which is basic and polar, at codon 306 of the SMAD4 protein (p.Asn306His). This variant is not present in population databases (gnomAD no frequency). This variant has not been reported in the literature in individuals affected with SMAD4-related conditions. Advanced modeling of protein sequence and biophysical properties (such as structural, functional, and spatial information, amino acid conservation, physicochemical variation, residue mobility, and thermodynamic stability) has been performed at Invitae for this missense variant, however the output from this modeling did not meet the statistical confidence thresholds required to predict the impact of this variant on SMAD4 protein function. In summary, the available evidence is currently insufficient to determine the role of this variant in disease. Therefore, it has been classified as a Variant of Uncertain Significance.